The following is an entry in ClinVar:

NM_001453.3(FOXC1):c.976G>T (p.Ala326Ser)

Gene: FOXC1 (forkhead box C1; plus strand). Cytogenetic location: 6p25.3.
Variant type: single nucleotide variant.
Coding change: c.976G>T on transcript NM_001453.3 (MANE Select); coding-DNA position 976, G replaced by T.
Protein change: p.Ala326Ser; replaces alanine 326 with serine.
Molecular consequence: missense variant.
Genome position (GRCh38, 1-based): chr6:1,611,421, G>T. VCF-style: chr6-1611421-G-T. GRCh37 (hg19) VCF-style: chr6-1611656-G-T.
Other names: short protein forms A326S.
Identifiers: ClinVar variation 2149928 (VCV002149928.4), dbSNP rs1395872805, ClinGen allele CA362559972.

ClinVar aggregate classification (germline): Uncertain significance (1 of 4 stars; one submission).

Conditions:
Axenfeld-Rieger syndrome type 3 (RIEG3). Also called: AXENFELD-RIEGER ANOMALY WITH CARDIAC DEFECTS AND/OR SENSORINEURAL HEARING LOSS. Identifiers: Orphanet 782, MedGen C2678503, MONDO:0011233, OMIM 602482.

Submission:

Labcorp Genetics (formerly Invitae), Labcorp
Classification: Uncertain significance for Axenfeld-Rieger syndrome type 3. Last evaluated: 2022-07-23. Review status: criteria provided, single submitter. Criteria: Invitae Variant Classification Sherloc (09022015). Collection method: clinical testing. Allele origin: germline.
Comment: This sequence change replaces alanine, which is neutral and non-polar, with serine, which is neutral and polar, at codon 326 of the FOXC1 protein (p.Ala326Ser). This variant is not present in population databases (gnomAD no frequency). This variant has not been reported in the literature in individuals affected with FOXC1-related conditions. Algorithms developed to predict the effect of missense changes on protein structure and function (SIFT, PolyPhen-2, Align-GVGD) all suggest that this variant is likely to be tolerated. In summary, the available evidence is currently insufficient to determine the role of this variant in disease. Therefore, it has been classified as a Variant of Uncertain Significance.